The following is an entry in ClinVar:

ClinVar aggregate classification (germline): Pathogenic (1 of 4 stars; one submission).

Submission:

Labcorp Genetics (formerly Invitae), Labcorp
Classification: Pathogenic. Last evaluated: 2026-01-28. Review status: criteria provided, single submitter. Criteria: Invitae Variant Classification Sherloc (09022015). Collection method: clinical testing. Allele origin: germline.
Comment: This sequence change creates a premature translational stop signal (p.Lys333Argfs*3) in the ERCC5 gene. It is expected to result in an absent or disrupted protein product. Loss-of-function variants in ERCC5 are known to be pathogenic (PMID: 23370536, 24700531, 30919937). This variant is present in population databases (no rsID available, gnomAD 0.007%). This variant has not been reported in the literature in individuals affected with ERCC5-related conditions. For these reasons, this variant has been classified as Pathogenic.

Literature cited by the submitters: PubMed 23370536; PubMed 24700531; PubMed 30919937.

NM_000123.4(ERCC5):c.996_997del (p.Lys333fs)

Genes: BIVM-ERCC5 (BIVM-ERCC5 readthrough; plus strand), ERCC5 (ERCC excision repair 5, endonuclease; plus strand). Cytogenetic location: 13q33.1.
Variant type: Microsatellite.
Coding change: c.996_997del on transcript NM_000123.4 (MANE Select); coding-DNA positions 996 to 997, 2 bases deleted (GA; older notation c.996_997delGA).
Protein change: p.Lys333fs; shifts the reading frame from lysine 333.
Molecular consequence: frameshift variant.
Genome position (GRCh38, 1-based): chr13:102,862,145-102,862,146, GA deleted; deleting any 2 consecutive bases within chr13:102,862,142-102,862,146 gives the same sequence; the c. name uses the placement nearest the transcript's 3' end. VCF-style (leftmost placement, unchanged base first): chr13-102862141-CAG-C. GRCh37 (hg19) VCF-style: chr13-103514491-CAG-C.
Other names: c.2358_2359del, p.Lys787fs (NM_001204425.2); short protein forms K333fs, K787fs.
Identifiers: ClinVar variation 4692509 (VCV004692509.1).
Genomic context (GRCh38, chr13:102,862,141, plus strand): 5'-CCAGCAAAATGCACGGCATGTCTTTTGACGTGAAGTCATCTCCATGTGAAAAACTGAAGA[CAG>C]AGAAAGAGCCTGATGCTACCCCTCCTTCTCCAAGAACTTTACTAGCTATGCAAGCTGCCC-3'